The following is an entry in ClinVar:

ClinVar aggregate classification (germline): Uncertain significance. Review status: criteria provided, multiple submitters, no conflicts (2 of 4 stars). 3 submissions from 3 submitters: Uncertain significance (3). Last evaluated 2024-12-10.

Conditions:
Oligodontia-cancer predisposition syndrome. Also called: TOOTH AGENESIS-COLORECTAL CANCER SYNDROME. Identifiers: Orphanet 300576, MedGen C1837750, MONDO:0012075, OMIM 608615. Disease mechanism: loss of function.
Hereditary cancer-predisposing syndrome. Also called: Hereditary Cancer Syndrome; Tumor predisposition; Neoplastic Syndromes, Hereditary; Hereditary neoplastic syndrome. Identifiers: Orphanet 140162, MedGen C0027672, MeSH D009386, MONDO:0015356.

Allele frequency attached by ClinVar (database versions not stated): TOPMed 0.00001.

Submissions (3):

Ambry Genetics
Classification: Uncertain significance for Hereditary cancer-predisposing syndrome. Last evaluated: 2024-12-10. Review status: criteria provided, single submitter. Criteria: Ambry Variant Classification Scheme 2023. Collection method: clinical testing. Allele origin: germline.
Comment: The p.M565I variant (also known as c.1695G>A), located in coding exon 5 of the AXIN2 gene, results from a G to A substitution at nucleotide position 1695. The methionine at codon 565 is replaced by isoleucine, an amino acid with highly similar properties. This amino acid position is conserved. In addition, this alteration is predicted to be tolerated by in silico analysis. Since supporting evidence is limited at this time, the clinical significance of this alteration remains unclear.

Labcorp Genetics (formerly Invitae), Labcorp
Classification: Uncertain significance for Oligodontia-cancer predisposition syndrome. Last evaluated: 2024-07-08. Review status: criteria provided, single submitter. Criteria: Invitae Variant Classification Sherloc (09022015). Collection method: clinical testing. Allele origin: germline.
Comment: This sequence change replaces methionine, which is neutral and non-polar, with isoleucine, which is neutral and non-polar, at codon 565 of the AXIN2 protein (p.Met565Ile). This variant is not present in population databases (gnomAD no frequency). This variant has not been reported in the literature in individuals affected with AXIN2-related conditions. ClinVar contains an entry for this variant (Variation ID: 279696). Advanced modeling of protein sequence and biophysical properties (such as structural, functional, and spatial information, amino acid conservation, physicochemical variation, residue mobility, and thermodynamic stability) performed at Invitae indicates that this missense variant is not expected to disrupt AXIN2 protein function with a negative predictive value of 80%. In summary, the available evidence is currently insufficient to determine the role of this variant in disease. Therefore, it has been classified as a Variant of Uncertain Significance.

GeneDx
Classification: Uncertain significance. Last evaluated: 2015-09-23. Review status: criteria provided, single submitter. Criteria: GeneDx Variant Classification (06012015). Collection method: clinical testing. Allele origin: germline. Affected: yes.
Comment: This variant is denoted AXIN2 c.1695G>A at the cDNA level, p.Met565Ile (M565I) at the protein level, and results in the change of a Methionine to an Isoleucine (ATG>ATA). This variant has not, to our knowledge, been published in the literature as pathogenic or benign. AXIN2 Met565Ile was not observed in approximately 6,500 individuals of European and African American ancestry in the NHLBI Exome Sequencing Project, indicating it is not a common benign variant in these populations. Since Methionine and Isoleucine share similar properties, this is considered a conservative amino acid substitution. AXIN2 Met565Ile occurs at a position that is not conserved and is not located in a known functional domain (UniProt). In silico analyses predict that this variant is unlikely to alter protein structure or function. Based on currently available information, it is unclear whether AXIN2 Met565Ile is pathogenic or benign. We consider it to be a variant of uncertain significance.

NM_004655.4(AXIN2):c.1695G>A (p.Met565Ile)

Gene: AXIN2 (axin 2; minus strand). Cytogenetic location: 17q24.1.
Variant type: single nucleotide variant.
Coding change: c.1695G>A on transcript NM_004655.4 (MANE Select); coding-DNA position 1695, G replaced by A.
Protein change: p.Met565Ile; replaces methionine 565 with isoleucine.
Molecular consequence: missense variant.
Genome position (GRCh38, 1-based): chr17:65,537,341, C>T on the plus strand (G>A on the coding strand, the complement: AXIN2 is on the minus strand). VCF-style: chr17-65537341-C-T. GRCh37 (hg19) VCF-style: chr17-63533459-C-T.
Other names: c.1695G>A (LRG_296t1); c.1695G>A, p.Met565Ile (NM_001363813.1); short protein forms M565I.
Identifiers: ClinVar variation 279696 (VCV000279696.9), dbSNP rs886041138, ClinGen allele CA10603598.